The following is an entry in ClinVar:

NM_198994.3(TGM6):c.1812A>G (p.Leu604=)

Gene: TGM6 (transglutaminase 6; plus strand). Cytogenetic location: 20p13.
Variant type: single nucleotide variant.
Coding change: c.1812A>G on transcript NM_198994.3 (MANE Select); coding-DNA position 1812, A replaced by G.
Protein change: p.Leu604=; no amino-acid change (leucine 604 retained).
Molecular consequence: synonymous variant.
Genome position (GRCh38, 1-based): chr20:2,430,579, A>G. VCF-style: chr20-2430579-A-G. GRCh37 (hg19) VCF-style: chr20-2411225-A-G.
Other names: c.1812A>G, p.Leu604= (NM_001254734.2).
Identifiers: ClinVar variation 2652146 (VCV002652146.24), dbSNP rs2514403074, ClinGen allele CA509389432.

ClinVar aggregate classification (germline): Likely benign (1 of 4 stars; one submission).

Allele frequency attached by ClinVar (database versions not stated): gnomAD exomes below 0.00001.
gnomAD v4.1: 1 of 1,614,178 alleles (0.000062%); highest among the groups gnomAD compares: Non-Finnish European, 0.000085%; no homozygotes.

Submission:

CeGaT Center for Human Genetics Tuebingen
Classification: Likely benign. Last evaluated: 2022-10-01. Review status: criteria provided, single submitter. Criteria: CeGaT Center For Human Genetics Tuebingen Variant Classification Criteria Version 2. Collection method: clinical testing. Allele origin: germline. Affected: yes. Observed: 1 variant allele.
Comment: TGM6: PM2:Supporting, BP4, BP7